The following is an entry in ClinVar:

NM_000448.3(RAG1):c.2033_2034del (p.Leu678fs)

Gene: RAG1 (recombination activating 1; plus strand). Cytogenetic location: 11p12.
Variant type: Microsatellite.
Coding change: c.2033_2034del on transcript NM_000448.3 (MANE Select); coding-DNA positions 2033 to 2034, 2 bases deleted (TC; older notation c.2033_2034delTC).
Protein change: p.Leu678fs; shifts the reading frame from leucine 678.
Molecular consequence: frameshift variant.
Genome position (GRCh38, 1-based): chr11:36,575,337-36,575,338, TC deleted; deleting any 2 consecutive bases within chr11:36,575,334-36,575,338 gives the same sequence; the c. name uses the placement nearest the transcript's 3' end. VCF-style (leftmost placement, unchanged base first): chr11-36575333-CCT-C. GRCh37 (hg19) VCF-style: chr11-36596883-CCT-C.
Other names: c.2033_2034del, p.Leu678fs (NM_001377277.1, NM_001377278.1, NM_001377279.1 and 1 more transcripts); short protein forms L678fs.
Identifiers: ClinVar variation 2951846 (VCV002951846.3), dbSNP rs2494758617, ClinGen allele CA2740093701.

ClinVar aggregate classification (germline): Pathogenic (1 of 4 stars; one submission).

Conditions:
Severe combined immunodeficiency, autosomal recessive, T cell-negative, B cell-negative, NK cell-positive. Also called: SCID, AR, T-cell negative, B-cell negative, NK cell-positive; SCID, T CELL-NEGATIVE, B CELL-NEGATIVE, NK CELL-POSITIVE; Severe combined immunodeficiency due to complete RAG1/2 deficiency. Identifiers: Orphanet 331206, MedGen C1832322, MONDO:0011086, OMIM 601457.
Combined immunodeficiency with skin granulomas. Identifiers: Orphanet 157949, MedGen C2673536, MONDO:0009306, OMIM 233650.

Submission:

Labcorp Genetics (formerly Invitae), Labcorp
Classification: Pathogenic for Combined immunodeficiency with skin granulomas; Severe combined immunodeficiency, autosomal recessive, T cell-negative, B cell-negative, NK cell-positive. Last evaluated: 2023-09-11. Review status: criteria provided, single submitter. Criteria: Invitae Variant Classification Sherloc (09022015). Collection method: clinical testing. Allele origin: germline.
Comment: This sequence change creates a premature translational stop signal (p.Leu678Hisfs*3) in the RAG1 gene. While this is not anticipated to result in nonsense mediated decay, it is expected to disrupt the last 366 amino acid(s) of the RAG1 protein. This variant is not present in population databases (gnomAD no frequency). This variant has not been reported in the literature in individuals affected with RAG1-related conditions. This variant disrupts a region of the RAG1 protein in which other variant(s) (p.His994Arg) have been determined to be pathogenic (PMID: 33193364; Invitae). This suggests that this is a clinically significant region of the protein, and that variants that disrupt it are likely to be disease-causing. For these reasons, this variant has been classified as Pathogenic.

Literature cited by the submitters: PubMed 33193364.